The following is an entry in ClinVar:

NM_000368.5(TSC1):c.437C>G (p.Ser146Cys)

Gene: TSC1 (TSC complex subunit 1; minus strand). Cytogenetic location: 9q34.13.
Variant type: single nucleotide variant.
Coding change: c.437C>G on transcript NM_000368.5 (MANE Select); coding-DNA position 437, C replaced by G.
Protein change: p.Ser146Cys; replaces serine 146 with cysteine.
Molecular consequence: missense variant. On other transcripts: 5 prime UTR variant (5), non-coding transcript variant (5).
Genome position (GRCh38, 1-based): chr9:132,923,419, G>C on the plus strand (C>G on the coding strand, the complement: TSC1 is on the minus strand). VCF-style: chr9-132923419-G-C. GRCh37 (hg19) VCF-style: chr9-135798806-G-C.
Other names: c.437C>G, p.Ser146Cys (NM_001162426.2, NM_001406592.1, NM_001406593.1 and 16 more transcripts); c.284C>G, p.Ser95Cys (NM_001162427.2, NM_001406610.1, NM_001406611.1 and 2 more transcripts); c.74C>G, p.Ser25Cys (NM_001362177.2, NM_001406615.1, NM_001406616.1 and 10 more transcripts); c.-441C>G (NM_001406626.1, NM_001406627.1, NM_001406628.1); c.-583C>G (NM_001406629.1); c.-657C>G (NM_001406630.1); short protein forms S95C, S146C, S25C.
Identifiers: ClinVar variation 4825803 (VCV004825803.1).

ClinVar aggregate classification (germline): Uncertain significance (1 of 4 stars; one submission).

Conditions:
Hereditary cancer-predisposing syndrome. Also called: Neoplastic Syndromes, Hereditary; Tumor predisposition; Hereditary Cancer Syndrome; Hereditary neoplastic syndrome. Identifiers: Orphanet 140162, MedGen C0027672, MeSH D009386, MONDO:0015356.

Submission:

Ambry Genetics
Classification: Uncertain significance for Hereditary cancer-predisposing syndrome. Last evaluated: 2026-03-09. Review status: criteria provided, single submitter. Criteria: Ambry Variant Classification Scheme 2023. Collection method: clinical testing. Allele origin: germline.
Comment: The p.S146C variant (also known as c.437C>G), located in coding exon 4 of the TSC1 gene, results from a C to G substitution at nucleotide position 437. The serine at codon 146 is replaced by cysteine, an amino acid with dissimilar properties. This amino acid position is not well conserved in available vertebrate species. In addition, the in silico prediction for this alteration is inconclusive. Based on the available evidence, the clinical significance of this variant remains unclear.